The following is an entry in ClinVar:

ClinVar aggregate classification (germline): Uncertain significance. Review status: criteria provided, multiple submitters, no conflicts (2 of 4 stars). 5 submissions from 5 submitters: Uncertain significance (5). Last evaluated 2024-11-21.

Conditions:
Hereditary cancer-predisposing syndrome. Also called: Neoplastic Syndromes, Hereditary; Hereditary neoplastic syndrome; Hereditary Cancer Syndrome; Tumor predisposition. Identifiers: Orphanet 140162, MedGen C0027672, MeSH D009386, MONDO:0015356.
Fanconi anemia complementation group O. Also called: RAD51C-Related Fanconi Anemia. Identifiers: Orphanet 84, MedGen C3150653, MONDO:0013248, OMIM 613390.
Breast-ovarian cancer, familial, susceptibility to, 3. Also called: RAD51C-Related Breast/Ovarian Cancer. Identifiers: Orphanet 145, MedGen C3150659, MONDO:0013253, OMIM 613399.

Allele frequency attached by ClinVar (database versions not stated): gnomAD exomes below 0.00001.
gnomAD v4.1: 1 of 1,612,836 alleles (0.000062%); highest among the groups gnomAD compares: Non-Finnish European, 0.000085%; no homozygotes.

Submissions (5):

Ambry Genetics
Classification: Uncertain significance for Hereditary cancer-predisposing syndrome. Last evaluated: 2024-11-21. Review status: criteria provided, single submitter. Criteria: Ambry Variant Classification Scheme 2023. Collection method: clinical testing. Allele origin: germline.
Comment: The p.P330R variant (also known as c.989C>G), located in coding exon 8 of the RAD51C gene, results from a C to G substitution at nucleotide position 989. The proline at codon 330 is replaced by arginine, an amino acid with dissimilar properties. This amino acid position is conserved. In addition, this alteration is predicted to be tolerated by in silico analysis. Based on the available evidence, the clinical significance of this variant remains unclear.

Baylor Genetics
Classification: Uncertain significance for Breast-ovarian cancer, familial, susceptibility to, 3. Last evaluated: 2023-06-16. Review status: criteria provided, single submitter. Criteria: ACMG Guidelines, 2015. Collection method: clinical testing. Allele origin: unknown.

Labcorp Genetics (formerly Invitae), Labcorp
Classification: Uncertain significance for Fanconi anemia complementation group O. Last evaluated: 2022-08-22. Review status: criteria provided, single submitter. Criteria: Invitae Variant Classification Sherloc (09022015). Collection method: clinical testing. Allele origin: germline.
Comment: In summary, the available evidence is currently insufficient to determine the role of this variant in disease. Therefore, it has been classified as a Variant of Uncertain Significance. This sequence change replaces proline, which is neutral and non-polar, with arginine, which is basic and polar, at codon 330 of the RAD51C protein (p.Pro330Arg). This variant is not present in population databases (gnomAD no frequency). This variant has not been reported in the literature in individuals affected with RAD51C-related conditions. ClinVar contains an entry for this variant (Variation ID: 993148). Algorithms developed to predict the effect of missense changes on protein structure and function are either unavailable or do not agree on the potential impact of this missense change (SIFT: "Tolerated"; PolyPhen-2: "Probably Damaging"; Align-GVGD: "Class C0").

Quest Diagnostics Nichols Institute San Juan Capistrano
Classification: Uncertain significance. Last evaluated: 2019-12-26. Review status: criteria provided, single submitter. Criteria: Quest Diagnostics criteria. Collection method: clinical testing. Allele origin: unknown.

GeneDx
Classification: Uncertain significance. Last evaluated: 2017-10-03. Review status: criteria provided, single submitter. Criteria: GeneDx Variant Classification Process June 2021. Collection method: clinical testing. Allele origin: germline. Affected: yes.
Comment: Not observed in large population cohorts (Lek et al., 2016); In silico analysis supports that this missense variant has a deleterious effect on protein structure/function; Has not been previously published as pathogenic or benign to our knowledge

NM_058216.3(RAD51C):c.989C>G (p.Pro330Arg)

Gene: RAD51C (RAD51 paralog C; plus strand). Cytogenetic location: 17q22.
Variant type: single nucleotide variant.
Coding change: c.989C>G on transcript NM_058216.3 (MANE Select); coding-DNA position 989, C replaced by G.
Protein change: p.Pro330Arg; replaces proline 330 with arginine.
Molecular consequence: missense variant. On other transcripts: non-coding transcript variant (1).
Genome position (GRCh38, 1-based): chr17:58,732,507, C>G. VCF-style: chr17-58732507-C-G. GRCh37 (hg19) VCF-style: chr17-56809868-C-G.
Other names: short protein forms P330R.
Identifiers: ClinVar variation 993148 (VCV000993148.13), dbSNP rs1567817392, ClinGen allele CA400364945.
Genomic context (GRCh38, chr17:58,732,507, plus strand): 5'-ATGTGTTTGTATGTATTTATTCTTTTTCTTTAAGCAGGTTGGCAACATTGTACAAGTCAC[C>G]CAGCCAGAAGGAATGCACAGTACTGTTTCAAATCAAAGTCAGTATTATTTGATTAGAGTG-3'
Protein context (NP_478123.1, residues 320-340): KQRLATLYKS[Pro330Arg]SQKECTVLFQ